The following is an entry in ClinVar:

NM_017868.4(TTC12):c.335_336del (p.Lys112fs)

Gene: TTC12 (tetratricopeptide repeat domain 12; plus strand). Cytogenetic location: 11q23.2.
Variant type: Deletion.
Coding change: c.335_336del on transcript NM_017868.4 (MANE Select); coding-DNA positions 335 to 336, 2 bases deleted (AA; older notation c.335_336delAA).
Protein change: p.Lys112fs; shifts the reading frame from lysine 112.
Molecular consequence: frameshift variant. On other transcripts: non-coding transcript variant (2).
Genome position (GRCh38, 1-based): chr11:113,325,536-113,325,537, AA deleted; deleting any 2 consecutive bases within chr11:113,325,533-113,325,537 gives the same sequence; the c. name uses the placement nearest the transcript's 3' end. VCF-style (leftmost placement, unchanged base first): chr11-113325532-GAA-G. GRCh37 (hg19) VCF-style: chr11-113196254-GAA-G.
Other names: c.335_336del, p.Lys112fs (NM_001318533.2, NM_001378064.1, NM_001378065.1); c.260_261del, p.Lys87fs (NM_001352037.2, NM_001378063.1); short protein forms K112fs, K87fs.
Identifiers: ClinVar variation 4990036 (VCV004990036.1).

ClinVar aggregate classification (germline): Likely pathogenic (1 of 4 stars; one submission).

Conditions:
TTC12-related disorder. Also called: TTC12-related condition.

Submission:

PreventionGenetics, part of Exact Sciences
Classification: Likely pathogenic for TTC12-related condition. Last evaluated: 2026-06-24. Review status: criteria provided, single submitter. Criteria: ACMG Guidelines, 2015. Collection method: clinical testing. Allele origin: germline.
Comment: The TTC12 c.335_336delAA variant is predicted to result in a frameshift and premature protein termination (p.Lys112Argfs*3). To our knowledge, this variant has not been reported in the literature. This variant is reported in 0.0044% of alleles in individuals of European (Non-Finnish) descent in gnomAD. Frameshift variants in TTC12 are expected to be pathogenic. This variant is interpreted as likely pathogenic.